The following is an entry in ClinVar:

NM_006372.5(SYNCRIP):c.1328C>A (p.Thr443Lys)

Gene: SYNCRIP (synaptotagmin binding cytoplasmic RNA interacting protein; minus strand). Cytogenetic location: 6q14.3.
Variant type: single nucleotide variant.
Coding change: c.1328C>A on transcript NM_006372.5 (MANE Select); coding-DNA position 1328, C replaced by A.
Protein change: p.Thr443Lys; replaces threonine 443 with lysine.
Molecular consequence: missense variant.
Genome position (GRCh38, 1-based): chr6:85,615,300, G>T on the plus strand (C>A on the coding strand, the complement: SYNCRIP is on the minus strand). VCF-style: chr6-85615300-G-T. GRCh37 (hg19) VCF-style: chr6-86325018-G-T.
Other names: c.1034C>A, p.Thr345Lys (NM_001159673.2, NM_001410938.1); c.1223C>A, p.Thr408Lys (NM_001159674.2, NM_001159675.2); c.1328C>A, p.Thr443Lys (NM_001159676.2, NM_001159677.2); c.872C>A, p.Thr291Lys (NM_001253771.2); short protein forms T291K, T345K, T408K, T443K.
Identifiers: ClinVar variation 3384252 (VCV003384252.1).

ClinVar aggregate classification (germline): Uncertain significance (1 of 4 stars; one submission).

Submission:

GeneDx
Classification: Uncertain significance. Last evaluated: 2024-06-06. Review status: criteria provided, single submitter. Criteria: GeneDx Variant Classification Process June 2021. Collection method: clinical testing. Allele origin: germline. Affected: yes.
Comment: Not observed at significant frequency in large population cohorts (gnomAD); In silico analysis indicates that this missense variant does not alter protein structure/function; Has not been previously published as pathogenic or benign to our knowledge